The following is an entry in ClinVar:

ClinVar aggregate classification (germline): Uncertain significance. Review status: criteria provided, multiple submitters, no conflicts (2 of 4 stars). 2 submissions from 2 submitters: Uncertain significance (2). Last evaluated 2025-05-23.

gnomAD v4.1: 8 of 1,614,018 alleles (0.0005%); highest among the groups gnomAD compares: Non-Finnish European, 0.00068%; no homozygotes.

Submissions (2):

Labcorp Genetics (formerly Invitae), Labcorp
Classification: Uncertain significance. Last evaluated: 2025-05-23. Review status: criteria provided, single submitter. Criteria: Invitae Variant Classification Sherloc (09022015). Collection method: clinical testing. Allele origin: germline.
Comment: This sequence change falls in intron 33 of the COL7A1 gene. It does not directly change the encoded amino acid sequence of the COL7A1 protein. It affects a nucleotide within the consensus splice site. This variant is not present in population databases (gnomAD no frequency). This variant has not been reported in the literature in individuals affected with COL7A1-related conditions. ClinVar contains an entry for this variant (Variation ID: 3374802). Variants that disrupt the consensus splice site are a relatively common cause of aberrant splicing (PMID: 17576681, 9536098). Algorithms developed to predict the effect of sequence changes on RNA splicing suggest that this variant is not likely to affect RNA splicing. In summary, the available evidence is currently insufficient to determine the role of this variant in disease. Therefore, it has been classified as a Variant of Uncertain Significance.

Women's Health and Genetics/Laboratory Corporation of America, LabCorp
Classification: Uncertain significance. Last evaluated: 2024-09-15. Review status: criteria provided, single submitter. Criteria: LabCorp Variant Classification Summary - May 2015. Collection method: clinical testing. Allele origin: germline.

Literature cited by the submitters: PubMed 17576681 (cited by Labcorp Genetics (formerly Invitae), Labcorp); PubMed 9536098 (cited by Labcorp Genetics (formerly Invitae), Labcorp).

NM_000094.4(COL7A1):c.4012-3C>T

Gene: COL7A1 (collagen type VII alpha 1 chain; minus strand). Cytogenetic location: 3p21.31.
Variant type: single nucleotide variant.
Coding change: c.4012-3C>T on transcript NM_000094.4 (MANE Select); 3 bases into the intron before coding-DNA position 4012, C replaced by T.
Molecular consequence: intron variant.
Genome position (GRCh38, 1-based): chr3:48,584,772, G>A on the plus strand (C>T on the coding strand, the complement: COL7A1 is on the minus strand). VCF-style: chr3-48584772-G-A. GRCh37 (hg19) VCF-style: chr3-48622205-G-A.
Identifiers: ClinVar variation 3374802 (VCV003374802.2).